The following is an entry in ClinVar:

ClinVar aggregate classification (germline): Pathogenic (1 of 4 stars; one submission).

Conditions:
Ehlers-Danlos syndrome, classic type, 1 (EDSCL1). Also called: EHLERS-DANLOS SYNDROME, GRAVIS TYPE; EHLERS-DANLOS SYNDROME, SEVERE CLASSIC TYPE; Ehlers-Danlos syndrome, type 1; Ehlers-Danlos Syndrome, Classic Type, COL5A1-Related; EDS I. Identifiers: MedGen C0268335, MONDO:0019567, OMIM 130000.

Submission:

Labcorp Genetics (formerly Invitae), Labcorp
Classification: Pathogenic for Ehlers-Danlos syndrome, classic type, 1. Last evaluated: 2023-06-29. Review status: criteria provided, single submitter. Criteria: Invitae Variant Classification Sherloc (09022015). Collection method: clinical testing. Allele origin: germline.
Comment: This variant has not been reported in the literature in individuals affected with COL5A2-related conditions. This sequence change creates a premature translational stop signal (p.Gly129Valfs*59) in the COL5A2 gene. It is expected to result in an absent or disrupted protein product. Loss-of-function variants in COL5A2 are known to be pathogenic (PMID: 23587214). This variant is not present in population databases (gnomAD no frequency). ClinVar contains an entry for this variant (Variation ID: 1455118). For these reasons, this variant has been classified as Pathogenic.

Literature cited by the submitters: PubMed 23587214.

NM_000393.5(COL5A2):c.386del (p.Gly129fs)

Gene: COL5A2 (collagen type V alpha 2 chain; minus strand). Cytogenetic location: 2q32.2.
Variant type: Deletion.
Coding change: c.386del on transcript NM_000393.5 (MANE Select); coding-DNA position 386, one base deleted (G; older notation c.386delG).
Protein change: p.Gly129fs; shifts the reading frame from glycine 129.
Molecular consequence: frameshift variant.
Genome position (GRCh38, 1-based): chr2:189,098,743, C deleted on the plus strand (G on the coding strand, the reverse complement: COL5A2 is on the minus strand); the first of 2 consecutive C bases (chr2:189,098,743-189,098,744); deleting either gives the same sequence. VCF-style (leftmost placement, unchanged base first): chr2-189098742-AC-A. GRCh37 (hg19) VCF-style: chr2-189963468-AC-A.
Other names: short protein forms G129fs.
Identifiers: ClinVar variation 1455118 (VCV001455118.6), dbSNP rs2105686874, ClinGen allele CA2573134241.